The following is an entry in ClinVar:

NM_003719.5(PDE8B):c.571G>A (p.Asp191Asn)

Gene: PDE8B (phosphodiesterase 8B; plus strand). Cytogenetic location: 5q13.3.
Variant type: single nucleotide variant.
Coding change: c.571G>A on transcript NM_003719.5 (MANE Select); coding-DNA position 571, G replaced by A.
Protein change: p.Asp191Asn; replaces aspartic acid 191 with asparagine.
Molecular consequence: missense variant.
Genome position (GRCh38, 1-based): chr5:77,325,710, G>A. VCF-style: chr5-77325710-G-A. GRCh37 (hg19) VCF-style: chr5-76621535-G-A.
Other names: c.571G>A (NM_003719.3); c.571G>A, p.Asp191Asn (NM_001029851.4, NM_001029852.4, NM_001029854.4 and 2 more transcripts); c.511G>A, p.Asp171Asn (NM_001029853.4); c.568G>A, p.Asp190Asn (NM_001349748.3, NM_001349751.3, NM_001376065.1); c.634G>A, p.Asp212Asn (NM_001349749.3); c.331G>A, p.Asp111Asn (NM_001349750.3); c.265G>A, p.Asp89Asn (NM_001349752.3, NM_001376071.1); c.199G>A, p.Asp67Asn (NM_001349753.2, NM_001376067.1, NM_001376068.1 and 3 more transcripts); and 3 more; short protein forms D110N, D171N, D212N, D89N, D90N, D190N, D70N, D67N.
Identifiers: ClinVar variation 1943034 (VCV001943034.6), dbSNP rs200873122, ClinGen allele CA3314955.
Genomic context (GRCh38, chr5:77,325,710, plus strand): 5'-TGCTTTCTTGATAAGCATCATGAAATTATTGTAATTGATCATAGACAAACTCAGAACTTC[G>A]ATGCAGAAGCAGTGTGCAGGTACCTTCTCTAATTTAATATGCTTAGTAAATGTTCACTTT-3'
Protein context (NP_003710.1, residues 181-201): VIDHRQTQNF[Asp191Asn]AEAVCRSIRA

ClinVar aggregate classification (germline): Uncertain significance. Review status: criteria provided, multiple submitters, no conflicts (2 of 4 stars). 2 submissions from 2 submitters: Uncertain significance (2). Last evaluated 2025-08-26.

Conditions:
Inborn genetic diseases. Identifiers: MedGen C0950123, MeSH D030342.

Allele frequency attached by ClinVar (database versions not stated): gnomAD 0.00001; ExAC 0.00002; TOPMed 0.00004; 1000 Genomes Project 30x 0.00016; 1000 Genomes Project 0.00020.

Submissions (2):

Ambry Genetics
Classification: Uncertain significance for Inborn genetic diseases. Last evaluated: 2025-08-26. Review status: criteria provided, single submitter. Criteria: Ambry Variant Classification Scheme 2023. Collection method: clinical testing. Allele origin: germline.

Labcorp Genetics (formerly Invitae), Labcorp
Classification: Uncertain significance. Last evaluated: 2023-02-06. Review status: criteria provided, single submitter. Criteria: Invitae Variant Classification Sherloc (09022015). Collection method: clinical testing. Allele origin: germline.
Comment: This variant is present in population databases (rs200873122, gnomAD 0.01%). This sequence change replaces aspartic acid, which is acidic and polar, with asparagine, which is neutral and polar, at codon 191 of the PDE8B protein (p.Asp191Asn). This variant has not been reported in the literature in individuals affected with PDE8B-related conditions. In summary, the available evidence is currently insufficient to determine the role of this variant in disease. Therefore, it has been classified as a Variant of Uncertain Significance. Algorithms developed to predict the effect of missense changes on protein structure and function output the following: SIFT: "Deleterious"; PolyPhen-2: "Benign"; Align-GVGD: "Class C0". The asparagine amino acid residue is found in multiple mammalian species, which suggests that this missense change does not adversely affect protein function.